The following is an entry in ClinVar:

ClinVar aggregate classification (germline): Uncertain significance (1 of 4 stars; one submission).

Allele frequency attached by ClinVar (database versions not stated): ExAC 0.00001.

Submission:

CeGaT Center for Human Genetics Tuebingen
Classification: Uncertain significance. Last evaluated: 2023-06-01. Review status: criteria provided, single submitter. Criteria: CeGaT Center For Human Genetics Tuebingen Variant Classification Criteria Version 2. Collection method: clinical testing. Allele origin: germline. Affected: yes. Observed: 1 variant allele.
Comment: ANKRD11: PM2, BP4

NM_013275.6(ANKRD11):c.1136G>C (p.Ser379Thr)

Gene: ANKRD11 (ankyrin repeat domain 11; minus strand). Cytogenetic location: 16q24.3.
Variant type: single nucleotide variant.
Coding change: c.1136G>C on transcript NM_013275.6 (MANE Select); coding-DNA position 1136, G replaced by C.
Protein change: p.Ser379Thr; replaces serine 379 with threonine.
Molecular consequence: missense variant.
Genome position (GRCh38, 1-based): chr16:89,285,406, C>G on the plus strand (G>C on the coding strand, the complement: ANKRD11 is on the minus strand). VCF-style: chr16-89285406-C-G. GRCh37 (hg19) VCF-style: chr16-89351814-C-G.
Other names: c.1136G>C, p.Ser379Thr (NM_001256182.2, NM_001256183.2); short protein forms S379T.
Identifiers: ClinVar variation 2647089 (VCV002647089.24), dbSNP rs774661371, ClinGen allele CA8242850.